The following is an entry in ClinVar:

NM_000186.4(CFH):c.3450A>G (p.Ile1150Met)

Gene: CFH (complement factor H; plus strand). Cytogenetic location: 1q31.3.
Variant type: single nucleotide variant.
Coding change: c.3450A>G on transcript NM_000186.4 (MANE Select); coding-DNA position 3450, A replaced by G.
Protein change: p.Ile1150Met; replaces isoleucine 1150 with methionine.
Molecular consequence: missense variant.
Genome position (GRCh38, 1-based): chr1:196,745,956, A>G. VCF-style: chr1-196745956-A-G. GRCh37 (hg19) VCF-style: chr1-196715086-A-G.
Other names: short protein forms I1150M.
Identifiers: ClinVar variation 4291574 (VCV004291574.1).

ClinVar aggregate classification (germline): Uncertain significance (1 of 4 stars; one submission).

Conditions:
Atypical hemolytic-uremic syndrome. Identifiers: Orphanet 2134, MedGen C2931788, MONDO:0016244.

Submission:

Genomenon, Inc
Classification: Uncertain significance for Atypical hemolytic-uremic syndrome. Last evaluated: 2025-10-02. Review status: criteria provided, single submitter. Criteria: Genomenon Sequence Variant Interpretation Standards - Updated. Collection method: curation. Allele origin: germline. Affected: yes.
Comment: CFH p.Ile1150Met (c.3450A>G) is a missense variant that changes the amino acid at residue 1150 from Isoleucine to Methionine. This variant has been observed in at least one proband affected with atypical hemolytic-uremic syndrome (PMID:37744338;33609329). It is absent or not present at a significant frequency in gnomAD. In silico models agree that this variant is not damaging. In conclusion, we classify CFH p.Ile1150Met (c.3450A>G) as a variant of uncertain significance.

Literature cited by the submitters: PubMed 37744338; PubMed 33609329.